The following is an entry in ClinVar:

ClinVar aggregate classification (germline): Likely benign (1 of 4 stars; one submission).

gnomAD v4.1: 26 of 1,611,918 alleles (0.0016%); highest among the groups gnomAD compares: East Asian, 0.0045%; no homozygotes.

Submission:

CeGaT Center for Human Genetics Tuebingen
Classification: Likely benign. Last evaluated: 2026-09-01. Review status: criteria provided, single submitter. Criteria: CeGaT Center For Human Genetics Tuebingen Variant Classification Criteria Version 2. Collection method: clinical testing. Allele origin: germline. Affected: yes. Observed: 1 variant allele.
Comment: MACF1: BP4

NM_001394062.1(MACF1):c.17516G>A (p.Arg5839His)

Gene: MACF1 (microtubule actin crosslinking factor 1; plus strand). Cytogenetic location: 1p34.3.
Variant type: single nucleotide variant.
Coding change: c.17516G>A on transcript NM_001394062.1 (MANE Select); coding-DNA position 17516, G replaced by A.
Protein change: p.Arg5839His; replaces arginine 5839 with histidine.
Molecular consequence: missense variant.
Genome position (GRCh38, 1-based): chr1:39,433,106, G>A. VCF-style: chr1-39433106-G-A. GRCh37 (hg19) VCF-style: chr1-39898778-G-A.
Other names: c.5585G>A, p.Arg1862His (NM_001397473.1); c.11330G>A, p.Arg3777His (NM_012090.5); short protein forms R1862H, R3777H, R5839H.
Identifiers: ClinVar variation 5041188 (VCV005041188.1).